The following is an entry in ClinVar:

ClinVar aggregate classification (germline): Benign. Review status: criteria provided, multiple submitters, no conflicts (2 of 4 stars). 3 submissions from 3 submitters: Benign (2). 1 of the submissions does not count toward it. Last evaluated 2026-02-03.

Conditions:
FOCAD-related disorder. Also called: FOCAD-related condition.

Allele frequency attached by ClinVar (database versions not stated): gnomAD exomes 0.00103 and 0.00279; ExAC 0.00339; gnomAD 0.01040 and 0.01113; TOPMed 0.01179; ESP Exome Variant Server 0.01192; 1000 Genomes Project 0.01218; 1000 Genomes Project 30x 0.01530.
gnomAD v4.1: 3,126 of 1,612,934 alleles (0.19%); highest among the groups gnomAD compares: African/African-American, 3.6%; 47 homozygotes.

Submissions (3):

Labcorp Genetics (formerly Invitae), Labcorp
Classification: Benign. Last evaluated: 2026-02-03. Review status: criteria provided, single submitter. Criteria: Invitae Variant Classification Sherloc (09022015). Collection method: clinical testing. Allele origin: germline.

Breakthrough Genomics
Classification: Benign. Review status: criteria provided, single submitter. Criteria: ACMG Guidelines, 2015. Collection method: not provided. Allele origin: germline. Inheritance: Autosomal recessive inheritance. Affected: yes.

PreventionGenetics, part of Exact Sciences
Classification: Benign for FOCAD-related condition. Last evaluated: 2019-02-21. Review status: no assertion criteria provided. Collection method: clinical testing. Allele origin: germline. Not counted in ClinVar's aggregate classification.
Comment: This variant is classified as benign based on ACMG/AMP sequence variant interpretation guidelines (Richards et al. 2015 PMID: 25741868, with internal and published modifications).

NM_001375567.1(FOCAD):c.700G>A (p.Val234Ile)

Gene: FOCAD (focadhesin; plus strand). Cytogenetic location: 9p21.3.
Variant type: single nucleotide variant.
Coding change: c.700G>A on transcript NM_001375567.1 (MANE Select); coding-DNA position 700, G replaced by A.
Protein change: p.Val234Ile; replaces valine 234 with isoleucine.
Molecular consequence: missense variant.
Genome position (GRCh38, 1-based): chr9:20,770,032, G>A. VCF-style: chr9-20770032-G-A. GRCh37 (hg19) VCF-style: chr9-20770031-G-A.
Other names: c.700G>A, p.Val234Ile (NM_001375568.1, NM_017794.5); c.595G>A, p.Val199Ile (NM_001375570.1); short protein forms V199I, V234I.
Identifiers: ClinVar variation 715478 (VCV000715478.9), dbSNP rs10441706, ClinGen allele CA5006460.
Genomic context (GRCh38, chr9:20,770,032, plus strand): 5'-TTTAAAATTATCTTTTGGTTTGTGTATTTTTTAATATCATATAATGACTTTTTTAAACAG[G>A]TAAAAGATTTGATACAGACAACAGAGGCGATGATGTTTATTGAGGAAGTATGTTTAAGCC-3'
Protein context (NP_001362496.1, residues 224-244): LCCDIVPCLQ[Val234Ile]KDLIQTTEAM